The following is an entry in ClinVar:

ClinVar aggregate classification (germline): Uncertain significance (1 of 4 stars; one submission).

Conditions:
Generalized epilepsy-paroxysmal dyskinesia syndrome (PNKD3). Also called: Generalized epilepsy and paroxysmal dyskinesia; Paroxysmal nonkinesigenic dyskinesia, 3, with or without generalized epilepsy. Identifiers: Orphanet 79137, MedGen C5574945, MONDO:0012276, OMIM 609446.

Allele frequency attached by ClinVar (database versions not stated): gnomAD exomes below 0.00001.
gnomAD v4.1: 1 of 1,613,842 alleles (0.000062%); highest among the groups gnomAD compares: Non-Finnish European, 0.000085%; no homozygotes.

Submission:

Labcorp Genetics (formerly Invitae), Labcorp
Classification: Uncertain significance for Generalized epilepsy-paroxysmal dyskinesia syndrome. Last evaluated: 2025-03-16. Review status: criteria provided, single submitter. Criteria: Invitae Variant Classification Sherloc (09022015). Collection method: clinical testing. Allele origin: germline.
Comment: This sequence change replaces leucine, which is neutral and non-polar, with phenylalanine, which is neutral and non-polar, at codon 988 of the KCNMA1 protein (p.Leu988Phe). This variant is not present in population databases (gnomAD no frequency). This variant has not been reported in the literature in individuals affected with KCNMA1-related conditions. ClinVar contains an entry for this variant (Variation ID: 2821264). Invitae Evidence Modeling of protein sequence and biophysical properties (such as structural, functional, and spatial information, amino acid conservation, physicochemical variation, residue mobility, and thermodynamic stability) indicates that this missense variant is expected to disrupt KCNMA1 protein function with a positive predictive value of 80%. In summary, the available evidence is currently insufficient to determine the role of this variant in disease. Therefore, it has been classified as a Variant of Uncertain Significance.

NM_001161352.2(KCNMA1):c.3136C>T (p.Leu1046Phe)

Genes: KCNMA1 (potassium calcium-activated channel subfamily M alpha 1; minus strand), KCNMA1-AS1 (KCNMA1 antisense RNA 1; plus strand). Cytogenetic location: 10q22.3.
Variant type: single nucleotide variant.
Coding change: c.3136C>T on transcript NM_001161352.2 (MANE Select); coding-DNA position 3136, C replaced by T.
Protein change: p.Leu1046Phe; replaces leucine 1046 with phenylalanine.
Molecular consequence: missense variant.
Genome position (GRCh38, 1-based): chr10:76,909,977, G>A on the plus strand (C>T on the coding strand, the complement: KCNMA1 is on the minus strand). VCF-style: chr10-76909977-G-A. GRCh37 (hg19) VCF-style: chr10-78669735-G-A.
Other names: c.2974C>T, p.Leu992Phe (NM_001014797.3); c.3085C>T, p.Leu1029Phe (NM_001161353.2); c.2812C>T, p.Leu938Phe (NM_001271518.2); c.3052C>T, p.Leu1018Phe (NM_001271519.2); c.2971C>T, p.Leu991Phe (NM_001322829.2, NM_001322836.2); c.3064C>T, p.Leu1022Phe (NM_001322830.2); c.2962C>T, p.Leu988Phe (NM_001322832.2, NM_001410940.1, NM_002247.4); c.3055C>T, p.Leu1019Phe (NM_001322835.2, NM_001322837.2); and 1 more; short protein forms L938F, L991F, L1019F, L837F, L992F, L1018F, L1022F, L1029F.
Identifiers: ClinVar variation 2821264 (VCV002821264.3), dbSNP rs2548849555, ClinGen allele CA377403729.